The following is an entry in ClinVar:

NM_000038.6(APC):c.*10A>C

Gene: APC (APC regulator of Wnt signaling pathway; plus strand). Cytogenetic location: 5q22.2.
Variant type: single nucleotide variant.
Coding change: c.*10A>C on transcript NM_000038.6 (MANE Select); 10 bases downstream of the stop codon, A replaced by C.
Molecular consequence: 3 prime UTR variant. On other transcripts: non-coding transcript variant (2).
Genome position (GRCh38, 1-based): chr5:112,844,136, A>C. VCF-style: chr5-112844136-A-C. GRCh37 (hg19) VCF-style: chr5-112179833-A-C.
Other names: c.*10A>C (NM_001127510.3, NM_001127511.3, NM_001354895.2 and 31 more transcripts).
Identifiers: ClinVar variation 3378832 (VCV003378832.1).

ClinVar aggregate classification (germline): Benign (1 of 4 stars; one submission).

Conditions:
Familial adenomatous polyposis 1 (FAP1). Also called: FAMILIAL ADENOMATOUS POLYPOSIS 1, ATTENUATED; POLYPOSIS, ADENOMATOUS INTESTINAL. Identifiers: MedGen C2713442, MONDO:0021056, OMIM 175100. Disease mechanism: loss of function.

Submission:

Myriad Genetics, Inc.
Classification: Benign for Familial adenomatous polyposis 1. Last evaluated: 2024-09-30. Review status: criteria provided, single submitter. Criteria: Myriad Autosomal Dominant, Autosomal Recessive and X-Linked Classification Criteria (2023). Collection method: clinical testing. Allele origin: unknown.
Comment: This variant is considered benign. This variant occurs in the non-coding 3' untranslated region of the gene, and is not expected to impact protein function.